The following is an entry in ClinVar:

NM_000372.5(TYR):c.713G>A (p.Trp238Ter)

Gene: TYR (tyrosinase; plus strand). Cytogenetic location: 11q14.3.
Variant type: single nucleotide variant.
Coding change: c.713G>A on transcript NM_000372.5 (MANE Select); coding-DNA position 713, G replaced by A.
Protein change: p.Trp238Ter; replaces tryptophan 238 with a stop codon.
Molecular consequence: nonsense.
Genome position (GRCh38, 1-based): chr11:89,178,666, G>A. VCF-style: chr11-89178666-G-A. GRCh37 (hg19) VCF-style: chr11-88911834-G-A.
Other names: short protein forms W238*.
Identifiers: ClinVar variation 3005937 (VCV003005937.3), dbSNP rs1287735969, ClinGen allele CA382035193.

ClinVar aggregate classification (germline): Pathogenic (1 of 4 stars; one submission).

Allele frequency attached by ClinVar (database versions not stated): TOPMed 0.00001.
gnomAD v4.1: 1 of 1,613,690 alleles (0.000062%); highest among the groups gnomAD compares: Admixed American, 0.0017%; no homozygotes.

Submission:

Labcorp Genetics (formerly Invitae), Labcorp
Classification: Pathogenic. Last evaluated: 2023-11-24. Review status: criteria provided, single submitter. Criteria: Invitae Variant Classification Sherloc (09022015). Collection method: clinical testing. Allele origin: germline.
Comment: This sequence change creates a premature translational stop signal (p.Trp238*) in the TYR gene. It is expected to result in an absent or disrupted protein product. Loss-of-function variants in TYR are known to be pathogenic (PMID: 23504663). This variant is present in population databases (no rsID available, gnomAD 0.003%). This premature translational stop signal has been observed in individual(s) with oculocutaneous albinism (PMID: 21458243). For these reasons, this variant has been classified as Pathogenic.

Literature cited by the submitters: PubMed 23504663; PubMed 21458243.